The following is an entry in ClinVar:

NM_001139.3(ALOX12B):c.1793C>T (p.Ser598Phe)

Gene: ALOX12B (arachidonate 12-lipoxygenase, 12R type; minus strand). Cytogenetic location: 17p13.1.
Variant type: single nucleotide variant.
Coding change: c.1793C>T on transcript NM_001139.3 (MANE Select); coding-DNA position 1793, C replaced by T.
Protein change: p.Ser598Phe; replaces serine 598 with phenylalanine.
Molecular consequence: missense variant.
Genome position (GRCh38, 1-based): chr17:8,073,281, G>A on the plus strand (C>T on the coding strand, the complement: ALOX12B is on the minus strand). VCF-style: chr17-8073281-G-A. GRCh37 (hg19) VCF-style: chr17-7976599-G-A.
Other names: c.1793C>T (NM_001139.2); short protein forms S598F.
Identifiers: ClinVar variation 2009766 (VCV002009766.5), dbSNP rs1336910973, ClinGen allele CA397986541.

ClinVar aggregate classification (germline): Conflicting classifications of pathogenicity. Review status: criteria provided, conflicting classifications (1 of 4 stars). 2 submissions from 2 submitters: Likely pathogenic (1); Uncertain significance (1). Last evaluated 2025-03-15.

Allele frequency attached by ClinVar (database versions not stated): TOPMed below 0.00001; gnomAD 0.00001; gnomAD exomes 0.00003.
gnomAD v4.1: 43 of 1,614,094 alleles (0.0027%); highest among the groups gnomAD compares: Non-Finnish European, 0.0036%; no homozygotes.

Submissions (2):

GeneDx
Classification: Likely pathogenic. Last evaluated: 2025-03-15. Review status: criteria provided, single submitter. Criteria: GeneDx Variant Classification Process June 2021. Collection method: clinical testing. Allele origin: germline. Affected: yes.
Comment: Not observed at significant frequency in large population cohorts (gnomAD); In silico analysis supports that this missense variant has a deleterious effect on protein structure/function; Has not been previously published as pathogenic or benign to our knowledge

Labcorp Genetics (formerly Invitae), Labcorp
Classification: Uncertain significance. Last evaluated: 2022-08-12. Review status: criteria provided, single submitter. Criteria: Invitae Variant Classification Sherloc (09022015). Collection method: clinical testing. Allele origin: germline.
Comment: Advanced modeling of protein sequence and biophysical properties (such as structural, functional, and spatial information, amino acid conservation, physicochemical variation, residue mobility, and thermodynamic stability) performed at Invitae indicates that this missense variant is expected to disrupt ALOX12B protein function. In summary, the available evidence is currently insufficient to determine the role of this variant in disease. Therefore, it has been classified as a Variant of Uncertain Significance. This variant has not been reported in the literature in individuals affected with ALOX12B-related conditions. This variant is present in population databases (no rsID available, gnomAD 0.0009%). This sequence change replaces serine, which is neutral and polar, with phenylalanine, which is neutral and non-polar, at codon 598 of the ALOX12B protein (p.Ser598Phe).